The following is an entry in ClinVar:

ClinVar aggregate classification (germline): Uncertain significance (1 of 4 stars; one submission).

Conditions:
Familial cancer of breast. Also called: Hereditary breast cancer; hereditary breast carcinoma; BREAST CANCER, FAMILIAL. Identifiers: Orphanet 227535, MedGen C0346153, MONDO:0016419, OMIM 114480. Disease mechanism: loss of function.

Submission:

Labcorp Genetics (formerly Invitae), Labcorp
Classification: Uncertain significance for Familial cancer of breast. Last evaluated: 2021-08-31. Review status: criteria provided, single submitter. Criteria: Invitae Variant Classification Sherloc (09022015). Collection method: clinical testing. Allele origin: germline.
Comment: This sequence change replaces aspartic acid with histidine at codon 230 of the BARD1 protein (p.Asp230His). The aspartic acid residue is moderately conserved and there is a moderate physicochemical difference between aspartic acid and histidine. This variant is not present in population databases (ExAC no frequency). This variant has not been reported in the literature in individuals affected with BARD1-related conditions. Algorithms developed to predict the effect of missense changes on protein structure and function are either unavailable or do not agree on the potential impact of this missense change (SIFT: "Deleterious"; PolyPhen-2: "Benign"; Align-GVGD: "Class C0"). In summary, the available evidence is currently insufficient to determine the role of this variant in disease. Therefore, it has been classified as a Variant of Uncertain Significance.

NM_000465.4(BARD1):c.688G>C (p.Asp230His)

Gene: BARD1 (BRCA1 associated RING domain 1; minus strand). Cytogenetic location: 2q35.
Variant type: single nucleotide variant.
Coding change: c.688G>C on transcript NM_000465.4 (MANE Select); coding-DNA position 688, G replaced by C.
Protein change: p.Asp230His; replaces aspartic acid 230 with histidine.
Molecular consequence: missense variant. On other transcripts: non-coding transcript variant (2), intron variant (3).
Genome position (GRCh38, 1-based): chr2:214,781,186, C>G on the plus strand (G>C on the coding strand, the complement: BARD1 is on the minus strand). VCF-style: chr2-214781186-C-G. GRCh37 (hg19) VCF-style: chr2-215645910-C-G.
Other names: c.631G>C, p.Asp211His (NM_001282543.2); c.158+28226G>C (NM_001282548.2); c.215+15875G>C (NM_001282545.2); c.364+11111G>C (NM_001282549.2); short protein forms D211H, D230H.
Identifiers: ClinVar variation 1003379 (VCV001003379.3), dbSNP rs1574819948, ClinGen allele CA350456402.